The following is an entry in ClinVar:

ClinVar aggregate classification (germline): Uncertain significance (1 of 4 stars; one submission).

Allele frequency attached by ClinVar (database versions not stated): gnomAD exomes below 0.00001.
gnomAD v4.1: 4 of 1,591,894 alleles (0.00025%); highest among the groups gnomAD compares: Non-Finnish European, 0.00034%; no homozygotes.

Submission:

Ambry Genetics
Classification: Uncertain significance. Last evaluated: 2021-09-23. Review status: criteria provided, single submitter. Criteria: Ambry Variant Classification Scheme 2023. Collection method: clinical testing. Allele origin: germline.
Comment: The p.T2590I variant (also known as c.7769C>T), located in coding exon 58 of the PRKDC gene, results from a C to T substitution at nucleotide position 7769. The threonine at codon 2590 is replaced by isoleucine, an amino acid with similar properties. This amino acid position is conserved. Since supporting evidence is limited at this time, the clinical significance of this alteration remains unclear.

NM_006904.7(PRKDC):c.7769C>T (p.Thr2590Ile)

Gene: PRKDC (protein kinase, DNA-activated, catalytic subunit; minus strand). Cytogenetic location: 8q11.21.
Variant type: single nucleotide variant.
Coding change: c.7769C>T on transcript NM_006904.7 (MANE Select); coding-DNA position 7769, C replaced by T.
Protein change: p.Thr2590Ile; replaces threonine 2590 with isoleucine.
Molecular consequence: missense variant.
Genome position (GRCh38, 1-based): chr8:47,836,520, G>A on the plus strand (C>T on the coding strand, the complement: PRKDC is on the minus strand). VCF-style: chr8-47836520-G-A. GRCh37 (hg19) VCF-style: chr8-48749081-G-A.
Other names: c.7769C>T, p.Thr2590Ile (NM_001081640.2); short protein forms T2590I.
Identifiers: ClinVar variation 1760526 (VCV001760526.2), dbSNP rs2551867363, ClinGen allele CA371151481.